The following is an entry in ClinVar:

ClinVar aggregate classification (germline): Uncertain significance (1 of 4 stars; one submission).

Conditions:
Dilated cardiomyopathy 1G (CMD1G). Identifiers: Orphanet 154, MedGen C1858763, MONDO:0011400, OMIM 604145.
Autosomal recessive limb-girdle muscular dystrophy type 2J (LGMDR10). Also called: Limb-girdle muscular dystrophy, type 2J; MUSCULAR DYSTROPHY, LIMB-GIRDLE, AUTOSOMAL RECESSIVE 10. Identifiers: Orphanet 140922, MedGen C1837342, MONDO:0012127, OMIM 608807.

Submission:

Labcorp Genetics (formerly Invitae), Labcorp
Classification: Uncertain significance for Dilated cardiomyopathy 1G; Autosomal recessive limb-girdle muscular dystrophy type 2J. Last evaluated: 2020-07-24. Review status: criteria provided, single submitter. Criteria: Invitae Variant Classification Sherloc (09022015). Collection method: clinical testing. Allele origin: germline.
Comment: This sequence change replaces proline with serine at codon 35731 of the TTN protein (p.Pro35731Ser). There is a moderate physicochemical difference between proline and serine. This variant is not present in population databases (ExAC no frequency). This variant is located in the M band of TTN (PMID: 25589632). Variants in this region may be relevant for neuromuscular disorders, but have not been definitively shown to cause cardiomyopathy (PMID: 23975875). This variant has not been reported in the literature in individuals with TTN-related conditions. Algorithms developed to predict the effect of missense changes on protein structure and function are unavailable for the TTN gene. In summary, the available evidence is currently insufficient to determine the role of this variant in disease. Therefore, it has been classified as a Variant of Uncertain Significance.

Literature cited by the submitters: PubMed 25589632; PubMed 23975875.

NM_001267550.2(TTN):c.107191C>T (p.Pro35731Ser)

Genes: TTN (titin; minus strand), TTN-AS1 (TTN antisense RNA 1; plus strand). Cytogenetic location: 2q31.2.
Variant type: single nucleotide variant.
Coding change: c.107191C>T on transcript NM_001267550.2 (MANE Select); coding-DNA position 107191, C replaced by T.
Protein change: p.Pro35731Ser; replaces proline 35731 with serine.
Molecular consequence: missense variant.
Genome position (GRCh38, 1-based): chr2:178,528,560, G>A on the plus strand (C>T on the coding strand, the complement: TTN is on the minus strand). VCF-style: chr2-178528560-G-A. GRCh37 (hg19) VCF-style: chr2-179393287-G-A.
Other names: c.102268C>T, p.Pro34090Ser (NM_001256850.1); c.79996C>T, p.Pro26666Ser (NM_003319.4); c.99487C>T, p.Pro33163Ser (NM_133378.4); c.80371C>T, p.Pro26791Ser (NM_133432.3); c.80572C>T, p.Pro26858Ser (NM_133437.4); short protein forms P26666S, P33163S, P35731S, P26791S, P34090S, P26858S.
Identifiers: ClinVar variation 1042892 (VCV001042892.7), dbSNP rs1687589442, ClinGen allele CA349401623.
Genomic context (GRCh38, chr2:178,528,560, plus strand): 5'-TCAATAATATATTCATAATTAAACTTACTGGCAGGTTGTTTTTAAACCATTCGATTTCAG[G>A]GGATGGCTCGCCACTGATTTCACAAGTAAAGAGAACATTTTGTCCTTCATTAATATTTTG-3'
Protein context (NP_001254479.2, residues 35721-35741): FTCEISGEPS[Pro35731Ser]EIEWFKNNLP